The following is an entry in ClinVar:

ClinVar aggregate classification (germline): Likely pathogenic. Review status: criteria provided, multiple submitters, no conflicts (2 of 4 stars). 2 submissions from 2 submitters: Likely pathogenic (2). Last evaluated 2025-12-26.

Conditions:
Hydrocephalus, nonsyndromic, autosomal recessive 2. Also called: Hydrocephalus, congenital, 2, with or without brain or eye anomalies. Identifiers: Orphanet 2185, MedGen C3554691, MONDO:0014085, OMIM 615219.

Allele frequency attached by ClinVar (database versions not stated): gnomAD 0.00001; ExAC 0.00002; TOPMed 0.00002; gnomAD exomes 0.00003.
gnomAD v4.1: 48 of 1,585,086 alleles (0.003%); highest among the groups gnomAD compares: Non-Finnish European, 0.004%; no homozygotes.

Submissions (2):

Women's Health and Genetics/Laboratory Corporation of America, LabCorp
Classification: Likely pathogenic for Hydrocephalus, nonsyndromic, autosomal recessive 2. Last evaluated: 2025-12-26. Review status: criteria provided, single submitter. Criteria: LabCorp Variant Classification Summary - May 2015. Collection method: clinical testing. Allele origin: germline.
Comment: Variant summary: MPDZ c.1474+2T>C is located in a canonical splice-site and is predicted to affect mRNA splicing resulting in a significantly altered protein due to either exon skipping, shortening, or inclusion of intronic material. Variants that disrupt the consensus splice site are a relatively common cause of aberrant splicing and loss of MPDZ function. Computational tools predict a significant impact on normal splicing: Three predict the variant abolishes a 5' splicing donor site. One predicts the variant has no significant impact on splicing. However, these predictions have yet to be confirmed by functional studies. The variant allele was found at a frequency of 8.7e-06 in 228804 control chromosomes (gnomAD). To our knowledge, no occurrence of c.1474+2T>C in individuals affected with MPDZ-related conditions and no experimental evidence demonstrating its impact on protein function have been reported. ClinVar contains an entry for this variant (Variation ID: 2421545). Based on the evidence outlined above, the variant was classified as likely pathogenic.

Labcorp Genetics (formerly Invitae), Labcorp
Classification: Likely pathogenic. Last evaluated: 2025-04-16. Review status: criteria provided, single submitter. Criteria: Invitae Variant Classification Sherloc (09022015). Collection method: clinical testing. Allele origin: germline.
Comment: This sequence change affects a donor splice site in intron 11 of the MPDZ gene. It is expected to disrupt RNA splicing. Variants that disrupt the donor or acceptor splice site typically lead to a loss of protein function (PMID: 16199547), and loss-of-function variants in MPDZ are known to be pathogenic (PMID: 23240096, 28556411). This variant is present in population databases (rs750355280, gnomAD 0.002%). This variant has not been reported in the literature in individuals affected with MPDZ-related conditions. ClinVar contains an entry for this variant (Variation ID: 2421545). Algorithms developed to predict the effect of sequence changes on RNA splicing suggest that this variant may disrupt the consensus splice site. In summary, the currently available evidence indicates that the variant is pathogenic, but additional data are needed to prove that conclusively. Therefore, this variant has been classified as Likely Pathogenic.

Literature cited by the submitters: PubMed 16199547 (cited by Labcorp Genetics (formerly Invitae), Labcorp); PubMed 23240096 (cited by Labcorp Genetics (formerly Invitae), Labcorp); PubMed 28556411 (cited by Labcorp Genetics (formerly Invitae), Labcorp).

NM_001378778.1(MPDZ):c.1474+2T>C

Gene: MPDZ (multiple PDZ domain crumbs cell polarity complex component; minus strand). Cytogenetic location: 9p23.
Variant type: single nucleotide variant.
Coding change: c.1474+2T>C on transcript NM_001378778.1 (MANE Select); the canonical splice donor site of the intron after coding-DNA position 1474, T replaced by C.
Molecular consequence: splice donor variant.
Genome position (GRCh38, 1-based): chr9:13,205,914, A>G on the plus strand (T>C on the coding strand, the complement: MPDZ is on the minus strand). VCF-style: chr9-13205914-A-G. GRCh37 (hg19) VCF-style: chr9-13205913-A-G.
Other names: c.1474+2T>C (NM_001375425.1, NM_001375420.1, NM_001375419.1 and 14 more transcripts).
Identifiers: ClinVar variation 2421545 (VCV002421545.8), dbSNP rs750355280, ClinGen allele CA4987774.
Genomic context (GRCh38, chr9:13,205,914, plus strand): 5'-ATTTAAAAAAAATTGGAGACAATATAAAGGTCTAACTAAAAACCAGATTAACATAGGATT[A>G]CCTTTGATTATGCTGGCATTAACAGGAGACAAATCTGCATCTTTTGTGACGTCTTCCCTT-3'